The following is an entry in ClinVar:

NM_021813.4(BACH2):c.2326C>A (p.Pro776Thr)

Gene: BACH2 (BACH transcriptional regulator 2; minus strand). Cytogenetic location: 6q15.
Variant type: single nucleotide variant.
Coding change: c.2326C>A on transcript NM_021813.4 (MANE Select); coding-DNA position 2326, C replaced by A.
Protein change: p.Pro776Thr; replaces proline 776 with threonine.
Molecular consequence: missense variant.
Genome position (GRCh38, 1-based): chr6:89,932,608, G>T on the plus strand (C>A on the coding strand, the complement: BACH2 is on the minus strand). VCF-style: chr6-89932608-G-T. GRCh37 (hg19) VCF-style: chr6-90642327-G-T.
Other names: c.2326C>A (NM_021813.2); c.2326C>A, p.Pro776Thr (NM_001170794.2); short protein forms P776T.
Identifiers: ClinVar variation 870958 (VCV000870958.51), dbSNP rs200671083, ClinGen allele CA3927809.

ClinVar aggregate classification (germline): Uncertain significance. Review status: criteria provided, multiple submitters, no conflicts (2 of 4 stars). 3 submissions from 3 submitters: Uncertain significance (3). Last evaluated 2026-02-01.

Allele frequency attached by ClinVar (database versions not stated): ESP Exome Variant Server 0.00008; TOPMed 0.00010.
gnomAD v4.1: 102 of 1,613,698 alleles (0.0063%); highest among the groups gnomAD compares: Admixed American, 0.038%; no homozygotes.

Submissions (3):

Labcorp Genetics (formerly Invitae), Labcorp
Classification: Uncertain significance. Last evaluated: 2026-02-01. Review status: criteria provided, single submitter. Criteria: Invitae Variant Classification Sherloc (09022015). Collection method: clinical testing. Allele origin: germline.
Comment: This sequence change replaces proline, which is neutral and non-polar, with threonine, which is neutral and polar, at codon 776 of the BACH2 protein (p.Pro776Thr). This variant is present in population databases (rs200671083, gnomAD 0.03%). This variant has not been reported in the literature in individuals affected with BACH2-related conditions. ClinVar contains an entry for this variant (Variation ID: 870958). Invitae Evidence Modeling of protein sequence and biophysical properties (such as structural, functional, and spatial information, amino acid conservation, physicochemical variation, residue mobility, and thermodynamic stability) indicates that this missense variant is not expected to disrupt BACH2 protein function with a negative predictive value of 80%. In summary, the available evidence is currently insufficient to determine the role of this variant in disease. Therefore, it has been classified as a Variant of Uncertain Significance.

Ambry Genetics
Classification: Uncertain significance. Last evaluated: 2025-09-05. Review status: criteria provided, single submitter. Criteria: Ambry Variant Classification Scheme 2023. Collection method: clinical testing. Allele origin: germline.

CeGaT Center for Human Genetics Tuebingen
Classification: Uncertain significance. Last evaluated: 2019-09-01. Review status: criteria provided, single submitter. Criteria: CeGaT Center For Human Genetics Tuebingen Variant Classification Criteria Version 2. Collection method: clinical testing. Allele origin: germline. Affected: yes. Observed: 3 variant alleles.